The following is an entry in ClinVar:

NM_007254.4(PNKP):c.178C>A (p.Arg60=)

Gene: PNKP (polynucleotide kinase 3'-phosphatase; minus strand). Cytogenetic location: 19q13.33.
Variant type: single nucleotide variant.
Coding change: c.178C>A on transcript NM_007254.4 (MANE Select); coding-DNA position 178, C replaced by A.
Protein change: p.Arg60=; no amino-acid change (arginine 60 retained).
Molecular consequence: synonymous variant.
Genome position (GRCh38, 1-based): chr19:49,866,419, G>T on the plus strand (C>A on the coding strand, the complement: PNKP is on the minus strand). VCF-style: chr19-49866419-G-T. GRCh37 (hg19) VCF-style: chr19-50369676-G-T.
Identifiers: ClinVar variation 386975 (VCV000386975.4), dbSNP rs761948305, ClinGen allele CA16608311.

ClinVar aggregate classification (germline): Likely benign. Review status: criteria provided, multiple submitters, no conflicts (2 of 4 stars). 2 submissions from 2 submitters: Likely benign (2). Last evaluated 2018-02-22.

Submissions (2):

Labcorp Genetics (formerly Invitae), Labcorp
Classification: Likely benign. Last evaluated: 2018-02-22. Review status: criteria provided, single submitter. Criteria: Invitae Variant Classification Sherloc (09022015). Collection method: clinical testing. Allele origin: germline.

GeneDx
Classification: Likely benign. Last evaluated: 2016-06-20. Review status: criteria provided, single submitter. Criteria: GeneDx Variant Classification (06012015). Collection method: clinical testing. Allele origin: germline. Affected: yes.
Comment: This variant is considered likely benign or benign based on one or more of the following criteria: it is a conservative change, it occurs at a poorly conserved position in the protein, it is predicted to be benign by multiple in silico algorithms, and/or has population frequency not consistent with disease.